The following is an entry in ClinVar:

ClinVar aggregate classification (germline): Uncertain significance (1 of 4 stars; one submission).

Submission:

Labcorp Genetics (formerly Invitae), Labcorp
Classification: Uncertain significance. Last evaluated: 2024-10-30. Review status: criteria provided, single submitter. Criteria: Invitae Variant Classification Sherloc (09022015). Collection method: clinical testing. Allele origin: germline.
Comment: This sequence change replaces aspartic acid, which is acidic and polar, with glutamic acid, which is acidic and polar, at codon 1668 of the ALPK3 protein (p.Asp1668Glu). This variant is not present in population databases (gnomAD no frequency). This variant has not been reported in the literature in individuals affected with ALPK3-related conditions. Invitae Evidence Modeling of protein sequence and biophysical properties (such as structural, functional, and spatial information, amino acid conservation, physicochemical variation, residue mobility, and thermodynamic stability) has been performed for this missense variant. However, the output from this modeling did not meet the statistical confidence thresholds required to predict the impact of this variant on ALPK3 protein function. In summary, the available evidence is currently insufficient to determine the role of this variant in disease. Therefore, it has been classified as a Variant of Uncertain Significance.

NM_020778.5(ALPK3):c.4398C>A (p.Asp1466Glu)

Gene: ALPK3 (alpha kinase 3; plus strand). Cytogenetic location: 15q25.3.
Variant type: single nucleotide variant.
Coding change: c.4398C>A on transcript NM_020778.5 (MANE Select); coding-DNA position 4398, C replaced by A.
Protein change: p.Asp1466Glu; replaces aspartic acid 1466 with glutamic acid.
Molecular consequence: missense variant.
Genome position (GRCh38, 1-based): chr15:84,862,903, C>A. VCF-style: chr15-84862903-C-A. GRCh37 (hg19) VCF-style: chr15-85406134-C-A.
Other names: short protein forms D1466E.
Identifiers: ClinVar variation 3704159 (VCV003704159.2).
Genomic context (GRCh38, chr15:84,862,903, plus strand): 5'-GTCCAGCCTGCTTGTGTTTGGGCCCAGCAGTGAGACTTCTCTTGTGGGCAGAAACTACGA[C>A]GTCACCATCCAGGTACTATGTCCCATCTTCACACCCCATTCTTTTATTCTCTCACCCCCT-3'
Protein context (NP_065829.4, residues 1456-1476): SETSLVGRNY[Asp1466Glu]VTIQGCKIQN